The following is an entry in ClinVar:

ClinVar aggregate classification (germline): Pathogenic. Review status: criteria provided, multiple submitters, no conflicts (2 of 4 stars). 2 submissions from 2 submitters: Pathogenic (2). Last evaluated 2022-05-27.

Conditions:
Bainbridge-Ropers syndrome. Also called: Severe feeding difficulties-failure to thrive-microcephaly due to ASXL3 deficiency syndrome. Identifiers: Orphanet 352577, MedGen C4750837, MONDO:0014205, OMIM 615485.

Submissions (2):

Clinical Genetics Laboratory, Skane University Hospital Lund
Classification: Pathogenic. Last evaluated: 2022-05-27. Review status: criteria provided, single submitter. Criteria: ACMG Guidelines, 2015. Collection method: clinical testing. Allele origin: germline. Affected: yes.

GeneDx
Classification: Pathogenic. Last evaluated: 2017-09-08. Review status: criteria provided, single submitter. Criteria: GeneDx Variant Classification (06012015). Collection method: clinical testing. Allele origin: germline. Affected: yes.
Comment: The Q1322X variant in the ASXL3 gene has not been reported previously as a pathogenic variant nor as a benign variant, to our knowledge. This variant is predicted to cause loss of normal protein function through protein truncation. The Q1322X variant is not observed in large population cohorts (Lek et al., 2016; 1000 Genomes Consortium et al., 2015; Exome Variant Server). We interpret Q1322X as a pathogenic variant.

NM_030632.3(ASXL3):c.3964C>T (p.Gln1322Ter)

Gene: ASXL3 (ASXL transcriptional regulator 3; plus strand). Cytogenetic location: 18q12.1.
Variant type: single nucleotide variant.
Coding change: c.3964C>T on transcript NM_030632.3 (MANE Select); coding-DNA position 3964, C replaced by T.
Protein change: p.Gln1322Ter; replaces glutamine 1322 with a stop codon.
Molecular consequence: nonsense.
Genome position (GRCh38, 1-based): chr18:33,743,812, C>T. VCF-style: chr18-33743812-C-T. GRCh37 (hg19) VCF-style: chr18-31323776-C-T.
Other names: short protein forms Q1322*.
Identifiers: ClinVar variation 451766 (VCV000451766.5), dbSNP rs1555743954, ClinGen allele CA402189132.